The following is an entry in ClinVar:

ClinVar aggregate classification (germline): Uncertain significance (1 of 4 stars; one submission).

Conditions:
Hereditary cancer-predisposing syndrome. Also called: Tumor predisposition; Hereditary neoplastic syndrome; Hereditary Cancer Syndrome; Neoplastic Syndromes, Hereditary. Identifiers: Orphanet 140162, MedGen C0027672, MeSH D009386, MONDO:0015356.

Submission:

Ambry Genetics
Classification: Uncertain significance for Hereditary cancer-predisposing syndrome. Last evaluated: 2023-10-20. Review status: criteria provided, single submitter. Criteria: Ambry Variant Classification Scheme 2023. Collection method: clinical testing. Allele origin: germline.
Comment: The p.P597H variant (also known as c.1790C>A), located in coding exon 12 of the CDH1 gene, results from a C to A substitution at nucleotide position 1790. The proline at codon 597 is replaced by histidine, an amino acid with similar properties. This amino acid position is conserved. In addition, this alteration is predicted to be tolerated by in silico analysis. Since supporting evidence is limited at this time, the clinical significance of this alteration remains unclear.

NM_004360.5(CDH1):c.1790C>A (p.Pro597His)

Gene: CDH1 (cadherin 1; plus strand). Cytogenetic location: 16q22.1.
Variant type: single nucleotide variant.
Coding change: c.1790C>A on transcript NM_004360.5 (MANE Select); coding-DNA position 1790, C replaced by A.
Protein change: p.Pro597His; replaces proline 597 with histidine.
Molecular consequence: missense variant. On other transcripts: 5 prime UTR variant (1).
Genome position (GRCh38, 1-based): chr16:68,822,079, C>A. VCF-style: chr16-68822079-C-A. GRCh37 (hg19) VCF-style: chr16-68855982-C-A.
Other names: c.1607C>A, p.Pro536His (NM_001317184.2); c.242C>A, p.Pro81His (NM_001317185.2); c.-176C>A (NM_001317186.2); short protein forms P536H, P597H, P81H.
Identifiers: ClinVar variation 3224158 (VCV003224158.1), dbSNP rs1961161092, ClinGen allele CA396466665.
Genomic context (GRCh38, chr16:68,822,079, plus strand): 5'-GAACAGGGACACTTCTGCTGATCCTGTCTGATGTGAATGACAACGCCCCCATACCAGAAC[C>A]TCGAACTATATTCTTCTGTGAGAGGAATCCAAAGCCTCAGGTCATAAACATCATTGATGC-3'
Protein context (NP_004351.1, residues 587-607): DVNDNAPIPE[Pro597His]RTIFFCERNP